The following is an entry in ClinVar:

NM_005560.6(LAMA5):c.7448G>A (p.Arg2483His)

Gene: LAMA5 (laminin subunit alpha 5; minus strand). Cytogenetic location: 20q13.33.
Variant type: single nucleotide variant.
Coding change: c.7448G>A on transcript NM_005560.6 (MANE Select); coding-DNA position 7448, G replaced by A.
Protein change: p.Arg2483His; replaces arginine 2483 with histidine.
Molecular consequence: missense variant.
Genome position (GRCh38, 1-based): chr20:62,317,408, C>T on the plus strand (G>A on the coding strand, the complement: LAMA5 is on the minus strand). VCF-style: chr20-62317408-C-T. GRCh37 (hg19) VCF-style: chr20-60892464-C-T.
Other names: c.7448G>A (NM_005560.3); short protein forms R2483H.
Identifiers: ClinVar variation 711007 (VCV000711007.14), dbSNP rs201943878, ClinGen allele CA9941231.

ClinVar aggregate classification (germline): Benign/Likely benign. Review status: criteria provided, multiple submitters, no conflicts (2 of 4 stars). 5 submissions from 5 submitters: Benign (2); Likely benign (2). 1 of the submissions does not count toward it. Last evaluated 2026-09-01.

Conditions:
LAMA5-related disorder. Also called: LAMA5-Related Disorders; LAMA5-related condition.
Inborn genetic diseases. Identifiers: MedGen C0950123, MeSH D030342.

Allele frequency attached by ClinVar (database versions not stated): ESP Exome Variant Server 0.00008; 1000 Genomes Project 30x 0.00016; 1000 Genomes Project 0.00020; gnomAD 0.00029 and 0.00030; TOPMed 0.00073; gnomAD exomes 0.00111; ExAC 0.00120.
gnomAD v4.1: 382 of 1,608,660 alleles (0.024%); highest among the groups gnomAD compares: Admixed American, 0.52%; 2 homozygotes.

Submissions (5):

CeGaT Center for Human Genetics Tuebingen
Classification: Likely benign. Last evaluated: 2026-09-01. Review status: criteria provided, single submitter. Criteria: CeGaT Center For Human Genetics Tuebingen Variant Classification Criteria Version 2. Collection method: clinical testing. Allele origin: germline. Affected: yes. Observed: 1 variant allele.
Comment: LAMA5: BP4

Labcorp Genetics (formerly Invitae), Labcorp
Classification: Benign. Last evaluated: 2026-01-03. Review status: criteria provided, single submitter. Criteria: Invitae Variant Classification Sherloc (09022015). Collection method: clinical testing. Allele origin: germline.

Ambry Genetics
Classification: Likely benign for Inborn genetic diseases. Last evaluated: 2025-09-10. Review status: criteria provided, single submitter. Criteria: Ambry Variant Classification Scheme 2023. Collection method: clinical testing. Allele origin: germline.

Breakthrough Genomics
Classification: Benign. Review status: criteria provided, single submitter. Criteria: ACMG Guidelines, 2015. Collection method: not provided. Allele origin: germline. Inheritance: Autosomal recessive inheritance. Affected: yes.

PreventionGenetics, part of Exact Sciences
Classification: Benign for LAMA5-related condition. Last evaluated: 2020-10-27. Review status: no assertion criteria provided. Collection method: clinical testing. Allele origin: germline. Not counted in ClinVar's aggregate classification.
Comment: This variant is classified as benign based on ACMG/AMP sequence variant interpretation guidelines (Richards et al. 2015 PMID: 25741868, with internal and published modifications).